The following is an entry in ClinVar:

ClinVar aggregate classification (germline): Conflicting classifications of pathogenicity. Review status: criteria provided, conflicting classifications (1 of 4 stars). 9 submissions from 9 submitters: Uncertain significance (5); Likely benign (4). Last evaluated 2026-03-10.

Conditions:
Dilated cardiomyopathy 1G (CMD1G). Identifiers: Orphanet 154, MedGen C1858763, MONDO:0011400, OMIM 604145.
Autosomal recessive limb-girdle muscular dystrophy type 2J (LGMDR10). Also called: MUSCULAR DYSTROPHY, LIMB-GIRDLE, AUTOSOMAL RECESSIVE 10; Limb-girdle muscular dystrophy, type 2J. Identifiers: Orphanet 140922, MedGen C1837342, MONDO:0012127, OMIM 608807.
TTN-related disorder. Also called: TTN-related disorders; TTN-related condition; TTN-related disease.
Cardiovascular phenotype. Identifiers: MedGen CN230736.
Cardiomyopathy (CMYO). Also called: Cardiomyopathies. Identifiers: Orphanet 167848, MedGen C0878544, MONDO:0004994, HP:0001638. Inheritance: Various modes of inheritance.

Allele frequency attached by ClinVar (database versions not stated): gnomAD exomes 0.00010 and 0.00009; gnomAD 0.00013 and 0.00014; ESP Exome Variant Server 0.00025; ExAC 0.00007; TOPMed 0.00010.
gnomAD v4.1: 164 of 1,612,388 alleles (0.01%); highest among the groups gnomAD compares: Middle Eastern, 0.033%; no homozygotes.

Submissions (9):

PreventionGenetics, part of Exact Sciences
Classification: Uncertain significance for TTN-related condition. Last evaluated: 2026-03-10. Review status: criteria provided, single submitter. Criteria: ACMG Guidelines, 2015. Collection method: clinical testing. Allele origin: germline.
Comment: The TTN c.50390G>A variant is predicted to result in the amino acid substitution p.Arg16797His. To our knowledge, this variant has not been reported in the literature. This variant is reported in 0.044% of alleles in individuals of European (Finnish) descent in gnomAD. Although we suspect that this variant may be benign, at this time, the clinical significance of this variant is uncertain due to the absence of conclusive functional and genetic evidence.

Mayo Clinic Laboratories, Mayo Clinic
Classification: Uncertain significance. Last evaluated: 2025-09-16. Review status: criteria provided, single submitter. Criteria: ACMG Guidelines, 2015. Collection method: clinical testing. Allele origin: germline. Observed: 2 variant alleles.

Blueprint Genetics
Classification: Likely benign. Last evaluated: 2023-10-27. Review status: criteria provided, single submitter. Criteria: ACMG Guidelines, 2015. Collection method: clinical testing. Allele origin: germline.

Revvity Omics, Revvity
Classification: Uncertain significance. Last evaluated: 2023-02-05. Review status: criteria provided, single submitter. Criteria: ACMG Guidelines, 2015. Collection method: clinical testing. Allele origin: germline.

CHEO Genetics Diagnostic Laboratory, Children's Hospital of Eastern Ontario
Classification: Likely benign for Cardiomyopathy. Last evaluated: 2023-01-10. Review status: criteria provided, single submitter. Criteria: ACMG Guidelines, 2015. Collection method: clinical testing. Allele origin: germline.

GeneDx
Classification: Likely benign. Last evaluated: 2020-10-19. Review status: criteria provided, single submitter. Criteria: GeneDx Variant Classification Process June 2021. Collection method: clinical testing. Allele origin: germline. Affected: yes.

Ambry Genetics
Classification: Likely benign for Cardiovascular phenotype. Last evaluated: 2020-09-21. Review status: criteria provided, single submitter. Criteria: Ambry Variant Classification Scheme 2023. Collection method: clinical testing. Allele origin: germline.

Labcorp Genetics (formerly Invitae), Labcorp
Classification: Uncertain significance for Dilated cardiomyopathy 1G; Autosomal recessive limb-girdle muscular dystrophy type 2J. Last evaluated: 2017-03-16. Review status: criteria provided, single submitter. Criteria: Invitae Variant Classification Sherloc (09022015). Collection method: clinical testing. Allele origin: germline.

Genetic Services Laboratory, University of Chicago
Classification: Uncertain significance. Last evaluated: 2016-06-01. Review status: criteria provided, single submitter. Criteria: ACMG Guidelines, 2015. Collection method: clinical testing. Allele origin: germline. Affected: no.

NM_001267550.2(TTN):c.50390G>A (p.Arg16797His)

Genes: TTN (titin; minus strand), TTN-AS1 (TTN antisense RNA 1; plus strand). Cytogenetic location: 2q31.2.
Variant type: single nucleotide variant.
Coding change: c.50390G>A on transcript NM_001267550.2 (MANE Select); coding-DNA position 50390, G replaced by A.
Protein change: p.Arg16797His; replaces arginine 16797 with histidine.
Molecular consequence: missense variant.
Genome position (GRCh38, 1-based): chr2:178,611,919, C>T on the plus strand (G>A on the coding strand, the complement: TTN is on the minus strand). VCF-style: chr2-178611919-C-T. GRCh37 (hg19) VCF-style: chr2-179476646-C-T.
Other names: p.R14229H:CGT>CAT; p.Arg15156His; c.45467G>A, p.Arg15156His (NM_001256850.1); c.23195G>A, p.Arg7732His (NM_003319.4); c.42686G>A, p.Arg14229His (NM_133378.4); c.23570G>A, p.Arg7857His (NM_133432.3); c.23771G>A, p.Arg7924His (NM_133437.4); short protein forms R14229H, R16797H, R15156H, R7732H, R7857H, R7924H.
Identifiers: ClinVar variation 202307 (VCV000202307.18), dbSNP rs200835354, ClinGen allele CA309037.
Genomic context (GRCh38, chr2:178,611,919, plus strand): 5'-ATGACATCAGTTACTCTGAAGTTACAGTCAGGTCCTGCAGTCTTTCCAGCTTTCACCCAA[C>T]GGGTACCTAACCTTTCTTTCTTCTCAATGACATATCTATTGAAACAACAAAGCATTTCAT-3'
Protein context (NP_001254479.2, residues 16787-16807): VIEKKERLGT[Arg16797His]WVKAGKTAGP